The following is an entry in ClinVar:

ClinVar aggregate classification (germline): Uncertain significance (1 of 4 stars; one submission).

Conditions:
Cone dystrophy. Identifiers: Orphanet 1871, MedGen C0730290, MONDO:0000455.

Allele frequency attached by ClinVar (database versions not stated): TOPMed below 0.00001.

Submission:

Ophthalmic Genetics Group, Institute of Molecular and Clinical Ophthalmology Basel
Classification: Uncertain significance for Cone dystrophy. Last evaluated: 2023-07-24. Review status: criteria provided, single submitter. Criteria: ACMG Guidelines, 2015. Collection method: research. Allele origin: germline. Affected: yes. Observed: 1 variant allele.
Comment: Clinical significance based on ACMG v2.0

This variant was classified as Uncertain significance based on ACMG criteria: PP3, PM2.

Literature cited by the submitters: PubMed 36909829.

NM_006204.4(PDE6C):c.1295C>T (p.Ser432Phe)

Gene: PDE6C (phosphodiesterase 6C; plus strand). Cytogenetic location: 10q23.33.
Variant type: single nucleotide variant.
Coding change: c.1295C>T on transcript NM_006204.4 (MANE Select); coding-DNA position 1295, C replaced by T.
Protein change: p.Ser432Phe; replaces serine 432 with phenylalanine.
Molecular consequence: missense variant.
Genome position (GRCh38, 1-based): chr10:93,635,522, C>T. VCF-style: chr10-93635522-C-T. GRCh37 (hg19) VCF-style: chr10-95395279-C-T.
Other names: NC_000010.10:g.95395279C>T; NP_006195.3:p.(Ser432Phe); short protein forms S432F.
Identifiers: ClinVar variation 2577524 (VCV002577524.2), dbSNP rs2058524109, ClinGen allele CA377614910.